The following is an entry in ClinVar:

ClinVar aggregate classification (germline): Likely pathogenic (1 of 4 stars; one submission).

Conditions:
Hereditary cancer-predisposing syndrome. Also called: Neoplastic Syndromes, Hereditary; Tumor predisposition; Hereditary Cancer Syndrome; Hereditary neoplastic syndrome. Identifiers: Orphanet 140162, MedGen C0027672, MeSH D009386, MONDO:0015356.

Submission:

Ambry Genetics
Classification: Likely pathogenic for Hereditary cancer-predisposing syndrome. Last evaluated: 2022-01-24. Review status: criteria provided, single submitter. Criteria: Ambry Variant Classification Scheme 2023. Collection method: clinical testing. Allele origin: germline.
Comment: The c.846+1_846+2delGT intronic variant, located in intron 6 of the CHEK2 gene, results from a deletion of two nucleotides within intron 6 of the CHEK2 gene. Alterations that disrupt the canonical splice site are expected to result in aberrant splicing. In silico splice site analysis predicts that this alteration will weaken the native splice donor site. The resulting transcript is predicted to be in-frame and is not expected to trigger nonsense-mediated mRNAdecay; however, direct evidence is unavailable. The exact functional effect of the altered amino acid sequence is unknown; however, the impacted region is critical for protein function (Ambry internal data). This variant is considered to be rare based on population cohorts in the Genome Aggregation Database (gnomAD). These nucleotide positions are highly conserved in available vertebrate species. Based on the majority of available evidence to date, this variant is likely to be pathogenic.

NM_007194.4(CHEK2):c.846+1_846+2del

Gene: CHEK2 (checkpoint kinase 2; minus strand). Cytogenetic location: 22q12.1.
Variant type: Deletion.
Coding change: c.846+1_846+2del on transcript NM_007194.4 (MANE Select); the canonical splice donor site of the intron after coding-DNA position 846, 2 bases deleted (GT; older notation c.846+1_846+2delGT).
Molecular consequence: splice donor variant.
Genome position (GRCh38, 1-based): chr22:28,710,004-28,710,005, AC deleted on the plus strand (GT on the coding strand, the reverse complement: CHEK2 is on the minus strand); deleting any 2 consecutive bases within chr22:28,710,004-28,710,006 gives the same sequence; the c. name uses the placement nearest the transcript's 3' end. VCF-style (leftmost placement, unchanged base first): chr22-28710003-TAC-T. GRCh37 (hg19) VCF-style: chr22-29105991-TAC-T.
Other names: c.183+1_183+2del (NM_001437942.1, NM_001257387.3); c.645+1_645+2del (NM_001349956.3); c.846+1_846+2del (NM_145862.3); c.939+1_939+2del (NM_001438295.1, NM_001438293.1); c.975+1_975+2del (NM_001438294.1, NM_001005735.3).
Identifiers: ClinVar variation 1763465 (VCV001763465.2), dbSNP rs2517942094, ClinGen allele CA2580099644.